The following is an entry in ClinVar:

NM_000540.3(RYR1):c.12237C>T (p.Tyr4079=)

Gene: RYR1 (ryanodine receptor 1; plus strand). Cytogenetic location: 19q13.2.
Variant type: single nucleotide variant.
Coding change: c.12237C>T on transcript NM_000540.3 (MANE Select); coding-DNA position 12237, C replaced by T.
Protein change: p.Tyr4079=; no amino-acid change (tyrosine 4079 retained).
Molecular consequence: synonymous variant.
Genome position (GRCh38, 1-based): chr19:38,548,375, C>T. VCF-style: chr19-38548375-C-T. GRCh37 (hg19) VCF-style: chr19-39039015-C-T.
Other names: c.12222C>T, p.Tyr4074= (NM_001042723.2).
Identifiers: ClinVar variation 774988 (VCV000774988.10), dbSNP rs767437406, ClinGen allele CA058492.

ClinVar aggregate classification (germline): Likely benign. Review status: criteria provided, multiple submitters, no conflicts (2 of 4 stars). 3 submissions from 3 submitters: Likely benign (3). Last evaluated 2025-08-18.

Conditions:
RYR1-related disorder. Also called: RYR1-related disorders; RYR1-related condition. Identifiers: MedGen CN239331.
Malignant hyperthermia, susceptibility to, 1 (MHS1). Also called: Anesthesia related hyperthermia; Malignant hyperpyrexia; Fulminating hyperpyrexia; Pharmacogenic myopathy; Malignant hyperthermia suceptibility 1; RYR1-Related Malignant Hyperthermia Susceptibility. Identifiers: Orphanet 423, MedGen C2930980, MONDO:0007783, OMIM 145600.

Allele frequency attached by ClinVar (database versions not stated): TOPMed 0.00003; gnomAD 0.00006 and 0.00007; ExAC 0.00007; gnomAD exomes 0.00007 and 0.00010.
gnomAD v4.1: 160 of 1,614,020 alleles (0.0099%); highest among the groups gnomAD compares: Middle Eastern, 0.016%; no homozygotes.

Submissions (3):

Labcorp Genetics (formerly Invitae), Labcorp
Classification: Likely benign for RYR1-related disorder. Last evaluated: 2025-08-18. Review status: criteria provided, single submitter. Criteria: Invitae Variant Classification Sherloc (09022015). Collection method: clinical testing. Allele origin: germline.

All of Us Research Program, National Institutes of Health
Classification: Likely benign for Malignant hyperthermia, susceptibility to, 1. Last evaluated: 2023-12-13. Review status: criteria provided, single submitter. Criteria: ACMG Guidelines, 2015. Collection method: clinical testing. Allele origin: germline. Inheritance: Autosomal dominant inheritance. Observed: 19 variant alleles, 19 heterozygotes.
Comment: This study involves interpretation of variants in research participants for the purpose of population health screening. Participant phenotype was not available at the time of variant classification. Additional details can be found in publication PMID: 35346344, PMCID: PMC8962531

Color Diagnostics, LLC DBA Color Health
Classification: Likely benign for Malignant hyperthermia, susceptibility to, 1. Last evaluated: 2022-11-06. Review status: criteria provided, single submitter. Criteria: ACMG Guidelines, 2015. Collection method: clinical testing. Allele origin: germline.